The following is an entry in ClinVar:

NM_000531.6(OTC):c.618G>C (p.Met206Ile)

Gene: OTC (ornithine transcarbamylase; plus strand). Cytogenetic location: Xp11.4.
Variant type: single nucleotide variant.
Coding change: c.618G>C on transcript NM_000531.6 (MANE Select); coding-DNA position 618, G replaced by C.
Protein change: p.Met206Ile; replaces methionine 206 with isoleucine.
Molecular consequence: missense variant.
Genome position (GRCh38, 1-based): chrX:38,403,695, G>C. VCF-style: chrX-38403695-G-C. GRCh37 (hg19) VCF-style: chrX-38262948-G-C.
Other names: short protein forms M206I.
Identifiers: ClinVar variation 97271 (VCV000097271.2), dbSNP rs72558413, ClinGen allele CA224712.

ClinVar aggregate classification (germline): Pathogenic (0 of 4 stars; one submission).

Submission:

GenMed Metabolism Lab
Classification: Pathogenic. Review status: no assertion criteria provided. Collection method: not provided. Allele origin: unknown.
ClinVar note: Converted during submission from pathogenic to Pathogenic.